The following is an entry in ClinVar:

ClinVar aggregate classification (germline): Likely pathogenic (1 of 4 stars; one submission).

Conditions:
Dilated cardiomyopathy 1G (CMD1G). Identifiers: Orphanet 154, MedGen C1858763, MONDO:0011400, OMIM 604145.
Autosomal recessive limb-girdle muscular dystrophy type 2J (LGMDR10). Also called: Limb-girdle muscular dystrophy, type 2J; MUSCULAR DYSTROPHY, LIMB-GIRDLE, AUTOSOMAL RECESSIVE 10. Identifiers: Orphanet 140922, MedGen C1837342, MONDO:0012127, OMIM 608807.

Submission:

Labcorp Genetics (formerly Invitae), Labcorp
Classification: Likely pathogenic for Dilated cardiomyopathy 1G; Autosomal recessive limb-girdle muscular dystrophy type 2J. Last evaluated: 2023-08-03. Review status: criteria provided, single submitter. Criteria: Invitae Variant Classification Sherloc (09022015). Collection method: clinical testing. Allele origin: germline.
Comment: In summary, the currently available evidence indicates that the variant is pathogenic, but additional data are needed to prove that conclusively. Therefore, this variant has been classified as Likely Pathogenic. This variant is located in the A band of TTN (PMID: 25589632). Truncating variants in this region are significantly overrepresented in patients affected with dilated cardiomyopathy (PMID: 25589632). Truncating variants in this region have also been reported in individuals affected with autosomal recessive centronuclear myopathy (PMID: 23975875). This variant has not been reported in the literature in individuals affected with TTN-related conditions. This variant is not present in population databases (gnomAD no frequency). This sequence change creates a premature translational stop signal (p.Tyr20842Cysfs*6) in the TTN gene. While this is not anticipated to result in nonsense mediated decay, it is expected to create a truncated TTN protein.

Literature cited by the submitters: PubMed 25589632; PubMed 23975875.

NM_001267550.2(TTN):c.62525_62526del (p.Tyr20842fs)

Genes: TTN (titin; minus strand), TTN-AS1 (TTN antisense RNA 1; plus strand). Cytogenetic location: 2q31.2.
Variant type: Microsatellite.
Coding change: c.62525_62526del on transcript NM_001267550.2 (MANE Select); coding-DNA positions 62525 to 62526, 2 bases deleted (AT; older notation c.62525_62526delAT).
Protein change: p.Tyr20842fs; shifts the reading frame from tyrosine 20842.
Molecular consequence: frameshift variant.
Genome position (GRCh38, 1-based): chr2:178,589,199-178,589,200, AT deleted on the plus strand (AT on the coding strand, the reverse complement: TTN is on the minus strand); deleting any 2 consecutive bases within chr2:178,589,199-178,589,202 gives the same sequence; the c. name uses the placement nearest the transcript's 3' end. VCF-style (leftmost placement, unchanged base first): chr2-178589198-CAT-C. GRCh37 (hg19) VCF-style: chr2-179453925-CAT-C.
Other names: c.57602_57603del, p.Tyr19201fs (NM_001256850.1); c.35330_35331del, p.Tyr11777fs (NM_003319.4); c.54821_54822del, p.Tyr18274fs (NM_133378.4); c.35705_35706del, p.Tyr11902fs (NM_133432.3); c.35906_35907del, p.Tyr11969fs (NM_133437.4); short protein forms Y11969fs, Y18274fs, Y19201fs, Y20842fs, Y11777fs, Y11902fs.
Identifiers: ClinVar variation 2950363 (VCV002950363.3), dbSNP rs2469382389, ClinGen allele CA2740096076.